The following is an entry in ClinVar:

NM_001368809.2(AMPD2):c.1408-3_1418del

Genes: AMPD2 (adenosine monophosphate deaminase 2; plus strand), LOC126805822 (BRD4-independent group 4 enhancer GRCh37_chr1:110170748-110171947; plus strand). Cytogenetic location: 1p13.3.
Variant type: Deletion.
Coding change: c.1408-3_1418del on transcript NM_001368809.2 (MANE Select); 3 bases into the intron before coding-DNA position 1408 through coding-DNA position 1418, 14 bases deleted (TAGGAGGTGATGTC).
Molecular consequence: splice acceptor variant.
Genome position (GRCh38, 1-based): chr1:109,628,640-109,628,653, TAGGAGGTGATGTC deleted; deleting any 14 consecutive bases within chr1:109,628,635-109,628,653 gives the same sequence; the c. name uses the placement nearest the transcript's 3' end. VCF-style (leftmost placement, unchanged base first): chr1-109628634-CATGTCTAGGAGGTG-C. GRCh37 (hg19) VCF-style: chr1-110171256-CATGTCTAGGAGGTG-C.
Other names: c.1327-3_1337del (NM_139156.4); c.1345-3_1355del (NM_001308170.1); c.1408-3_1418del (NM_004037.9); c.1216-3_1226del (NM_001257361.2).
Identifiers: ClinVar variation 2031731 (VCV002031731.4), dbSNP rs2524415501, ClinGen allele CA2580060785.

ClinVar aggregate classification (germline): Likely pathogenic (1 of 4 stars; one submission).

Conditions:
Pontocerebellar hypoplasia type 9. Identifiers: Orphanet 369920, MedGen C4014354, MONDO:0014351, OMIM 615809.
Hereditary spastic paraplegia 63. Also called: Spastic paraplegia 63, autosomal recessive. Identifiers: Orphanet 401805, MedGen C3810295, MONDO:0014305, OMIM 615686.

Submission:

Labcorp Genetics (formerly Invitae), Labcorp
Classification: Likely pathogenic for Pontocerebellar hypoplasia type 9; Hereditary spastic paraplegia 63. Last evaluated: 2022-10-18. Review status: criteria provided, single submitter. Criteria: Invitae Variant Classification Sherloc (09022015). Collection method: clinical testing. Allele origin: germline.
Comment: This variant results in the deletion of part of exon 13 (c.1570-3_1580del) of the AMPD2 gene. It is expected to disrupt RNA splicing. Variants that disrupt the donor or acceptor splice site typically lead to a loss of protein function (PMID: 16199547), and loss-of-function variants in AMPD2 are known to be pathogenic (PMID: 23911318). This variant is not present in population databases (gnomAD no frequency). This variant has not been reported in the literature in individuals affected with AMPD2-related conditions. Algorithms developed to predict the effect of sequence changes on RNA splicing suggest that this variant may disrupt the consensus splice site. In summary, the currently available evidence indicates that the variant is pathogenic, but additional data are needed to prove that conclusively. Therefore, this variant has been classified as Likely Pathogenic.

Literature cited by the submitters: PubMed 16199547; PubMed 23911318.